The following is an entry in ClinVar:

ClinVar aggregate classification (germline): Uncertain significance. Review status: criteria provided, multiple submitters, no conflicts (2 of 4 stars). 2 submissions from 2 submitters: Uncertain significance (2). Last evaluated 2026-07-06.

Conditions:
Hereditary cancer-predisposing syndrome. Also called: Neoplastic Syndromes, Hereditary; Hereditary Cancer Syndrome; Tumor predisposition; Hereditary neoplastic syndrome. Identifiers: Orphanet 140162, MedGen C0027672, MeSH D009386, MONDO:0015356.
Renal cell carcinoma. Identifiers: Orphanet 217071, MedGen C0007134, MeSH D002292, MONDO:0005086, HP:0005584.

Allele frequency attached by ClinVar (database versions not stated): gnomAD exomes below 0.00001.

Submissions (2):

Ambry Genetics
Classification: Uncertain significance for Hereditary cancer-predisposing syndrome. Last evaluated: 2026-07-06. Review status: criteria provided, single submitter. Criteria: Ambry Variant Classification Scheme 2023. Collection method: clinical testing. Allele origin: germline.
Comment: The p.I935V variant (also known as c.2803A>G), located in coding exon 12 of the MET gene, results from an A to G substitution at nucleotide position 2803. The isoleucine at codon 935 is replaced by valine, an amino acid with highly similar properties. This amino acid position is conserved. In addition, this alteration is predicted to be tolerated by in silico analysis. Based on the available evidence, the clinical significance of this variant remains unclear.

Labcorp Genetics (formerly Invitae), Labcorp
Classification: Uncertain significance for Renal cell carcinoma. Last evaluated: 2023-05-31. Review status: criteria provided, single submitter. Criteria: Invitae Variant Classification Sherloc (09022015). Collection method: clinical testing. Allele origin: germline.
Comment: In summary, the available evidence is currently insufficient to determine the role of this variant in disease. Therefore, it has been classified as a Variant of Uncertain Significance. Advanced modeling of protein sequence and biophysical properties (such as structural, functional, and spatial information, amino acid conservation, physicochemical variation, residue mobility, and thermodynamic stability) performed at Invitae indicates that this missense variant is not expected to disrupt MET protein function. ClinVar contains an entry for this variant (Variation ID: 963173). This variant has not been reported in the literature in individuals affected with MET-related conditions. This variant is present in population databases (no rsID available, gnomAD 0.0009%). This sequence change replaces isoleucine, which is neutral and non-polar, with valine, which is neutral and non-polar, at codon 953 of the MET protein (p.Ile953Val).

NM_000245.4(MET):c.2803A>G (p.Ile935Val)

Gene: MET (MET proto-oncogene, receptor tyrosine kinase; plus strand). Cytogenetic location: 7q31.2.
Variant type: single nucleotide variant.
Coding change: c.2803A>G on transcript NM_000245.4 (MANE Select); coding-DNA position 2803, A replaced by G.
Protein change: p.Ile935Val; replaces isoleucine 935 with valine.
Molecular consequence: missense variant.
Genome position (GRCh38, 1-based): chr7:116,771,570, A>G. VCF-style: chr7-116771570-A-G. GRCh37 (hg19) VCF-style: chr7-116411624-A-G.
Other names: c.2857A>G, p.Ile953Val (NM_001127500.3); c.1513A>G, p.Ile505Val (NM_001324402.2); c.2803A>G (NM_000245.2); short protein forms I505V, I935V, I953V.
Identifiers: ClinVar variation 963173 (VCV000963173.9), dbSNP rs1420349380, ClinGen allele CA368986538.